The following is an entry in ClinVar:

NM_001009944.3(PKD1):c.1540_1599del (p.Thr514_Gln533del)

Gene: PKD1 (polycystin 1, transient receptor potential channel interacting; minus strand). Cytogenetic location: 16p13.3.
Variant type: Deletion.
Coding change: c.1540_1599del on transcript NM_001009944.3 (MANE Select); coding-DNA positions 1540 to 1599, 60 bases deleted.
Protein change: p.Thr514_Gln533del.
Molecular consequence: inframe deletion.
Genome position (GRCh38, 1-based): chr16:2,116,840-2,116,899, 60 bases deleted. GRCh37 (hg19): chr16:2,166,841-2,166,900.
Other names: c.1540_1599del, p.Thr514_Gln533del (NM_000296.4).
Identifiers: ClinVar variation 4072218 (VCV004072218.1).

ClinVar aggregate classification (germline): Uncertain significance (1 of 4 stars; one submission).

Conditions:
Polycystic kidney disease, adult type (PKD1). Also called: Polycystic Kidney, Autosomal Dominant; Polycystic Kidney Disease 1, Autosomal Dominant; Polycystic kidney disease 1; Polycystic kidney disease 1, severe; POLYCYSTIC KIDNEY DISEASE 1 WITH OR WITHOUT POLYCYSTIC LIVER DISEASE; POLYCYSTIC KIDNEY DISEASE, ADULT, TYPE I. Identifiers: MedGen C3149841, MONDO:0008263, OMIM 173900.

Submission:

MVZ Medizinische Genetik Mainz
Classification: Uncertain significance for Polycystic kidney disease, adult type. Last evaluated: 2025-06-25. Review status: criteria provided, single submitter. Criteria: UK Practice Guidelines For Variant Classification V4 01 2020. Collection method: clinical testing. Allele origin: germline. Inheritance: Autosomal dominant inheritance. Affected: yes. Observed: 1 variant allele.
Comment: ACMG Criteria: PM4,PM2_SUP,PP3,PP4